The following is an entry in ClinVar:

NM_000199.5(SGSH):c.1050G>A (p.Pro350=)

Gene: SGSH (N-sulfoglucosamine sulfohydrolase; minus strand). Cytogenetic location: 17q25.3.
Variant type: single nucleotide variant.
Coding change: c.1050G>A on transcript NM_000199.5 (MANE Select); coding-DNA position 1050, G replaced by A.
Protein change: p.Pro350=; no amino-acid change (proline 350 retained).
Molecular consequence: synonymous variant. On other transcripts: 3 prime UTR variant (2), non-coding transcript variant (1).
Genome position (GRCh38, 1-based): chr17:80,210,911, C>T on the plus strand (G>A on the coding strand, the complement: SGSH is on the minus strand). VCF-style: chr17-80210911-C-T. GRCh37 (hg19) VCF-style: chr17-78184710-C-T.
Other names: c.*137G>A (NM_001352921.3); c.*100G>A (NM_001352922.2).
Identifiers: ClinVar variation 729441 (VCV000729441.12), dbSNP rs373992449, ClinGen allele CA8817685.

ClinVar aggregate classification (germline): Likely benign. Review status: criteria provided, multiple submitters, no conflicts (2 of 4 stars). 2 submissions from 2 submitters: Likely benign (2). Last evaluated 2026-01-21.

Conditions:
Mucopolysaccharidosis, MPS-III-A (MPS3A). Also called: MUCOPOLYSACCHARIDOSIS, TYPE IIIA, ATTENUATED; HEPARAN SULFATE SULFATASE DEFICIENCY; SANFILIPPO SYNDROME A; SULFAMIDASE DEFICIENCY; Mucopolysaccharidosis, type IIIA; MPS III A. Identifiers: Orphanet 581, Orphanet 79269, MedGen C0086647, MONDO:0009655, OMIM 252900.
SGSH-related disorder. Also called: SGSH-related condition.

Allele frequency attached by ClinVar (database versions not stated): ExAC 0.00018; ESP Exome Variant Server 0.00023; 1000 Genomes Project 30x 0.00031; TOPMed 0.00034; 1000 Genomes Project 0.00040; gnomAD 0.00023 and 0.00024; gnomAD exomes 0.00015.
gnomAD v4.1: 338 of 1,610,420 alleles (0.021%); highest among the groups gnomAD compares: African/African-American, 0.051%; no homozygotes.

Submissions (2):

Labcorp Genetics (formerly Invitae), Labcorp
Classification: Likely benign for Mucopolysaccharidosis, MPS-III-A. Last evaluated: 2026-01-21. Review status: criteria provided, single submitter. Criteria: Invitae Variant Classification Sherloc (09022015). Collection method: clinical testing. Allele origin: germline.

PreventionGenetics, part of Exact Sciences
Classification: Likely benign for SGSH-related condition. Last evaluated: 2025-06-10. Review status: criteria provided, single submitter. Criteria: ACMG Guidelines, 2015. Collection method: clinical testing. Allele origin: germline.
Comment: This variant is classified as likely benign based on ACMG/AMP sequence variant interpretation guidelines (Richards et al. 2015 PMID: 25741868, with internal and published modifications).